The following is an entry in ClinVar:

NM_003482.4(KMT2D):c.173G>T (p.Cys58Phe)

Gene: KMT2D (lysine methyltransferase 2D; minus strand). Cytogenetic location: 12q13.12.
Variant type: single nucleotide variant.
Coding change: c.173G>T on transcript NM_003482.4 (MANE Select); coding-DNA position 173, G replaced by T.
Protein change: p.Cys58Phe; replaces cysteine 58 with phenylalanine.
Molecular consequence: missense variant.
Genome position (GRCh38, 1-based): chr12:49,054,903, C>A on the plus strand (G>T on the coding strand, the complement: KMT2D is on the minus strand). VCF-style: chr12-49054903-C-A. GRCh37 (hg19) VCF-style: chr12-49448686-C-A.
Other names: short protein forms C58F.
Identifiers: ClinVar variation 2130835 (VCV002130835.4), dbSNP rs2120715393, ClinGen allele CA384689618.

ClinVar aggregate classification (germline): Uncertain significance (1 of 4 stars; one submission).

Conditions:
Kabuki syndrome. Also called: Kabuki make-up syndrome; NIIKAWA-KUROKI SYNDROME. Identifiers: Orphanet 2322, MedGen C0796004, MONDO:0016512.

Allele frequency attached by ClinVar (database versions not stated): gnomAD exomes below 0.00001.
gnomAD v4.1: 2 of 1,613,132 alleles (0.00012%); highest among the groups gnomAD compares: Non-Finnish European, 0.00017%; no homozygotes.

Submission:

Labcorp Genetics (formerly Invitae), Labcorp
Classification: Uncertain significance for Kabuki syndrome. Last evaluated: 2022-04-26. Review status: criteria provided, single submitter. Criteria: Invitae Variant Classification Sherloc (09022015). Collection method: clinical testing. Allele origin: germline.
Comment: Advanced modeling of protein sequence and biophysical properties (such as structural, functional, and spatial information, amino acid conservation, physicochemical variation, residue mobility, and thermodynamic stability) performed at Invitae indicates that this missense variant is not expected to disrupt KMT2D protein function. In summary, the available evidence is currently insufficient to determine the role of this variant in disease. Therefore, it has been classified as a Variant of Uncertain Significance. This sequence change replaces cysteine, which is neutral and slightly polar, with phenylalanine, which is neutral and non-polar, at codon 58 of the KMT2D protein (p.Cys58Phe). This variant is not present in population databases (gnomAD no frequency). This variant has not been reported in the literature in individuals affected with KMT2D-related conditions.